The following is an entry in ClinVar:

NM_000399.5(EGR2):c.736C>A (p.Arg246Ser)

Gene: EGR2 (early growth response 2; minus strand). Cytogenetic location: 10q21.3.
Variant type: single nucleotide variant.
Coding change: c.736C>A on transcript NM_000399.5 (MANE Select); coding-DNA position 736, C replaced by A.
Protein change: p.Arg246Ser; replaces arginine 246 with serine.
Molecular consequence: missense variant.
Genome position (GRCh38, 1-based): chr10:62,813,902, G>T on the plus strand (C>A on the coding strand, the complement: EGR2 is on the minus strand). VCF-style: chr10-62813902-G-T. GRCh37 (hg19) VCF-style: chr10-64573662-G-T.
Other names: c.736C>A, p.Arg246Ser (NM_001136177.3, NM_001136178.2); c.586C>A, p.Arg196Ser (NM_001136179.3, NM_001321037.2); c.775C>A, p.Arg259Ser (NM_001410931.1); short protein forms R196S, R246S, R259S.
Identifiers: ClinVar variation 4976040 (VCV004976040.1).

ClinVar aggregate classification (germline): Uncertain significance (1 of 4 stars; one submission).

Submission:

GeneDx
Classification: Uncertain significance. Last evaluated: 2026-02-03. Review status: criteria provided, single submitter. Criteria: GeneDx Variant Classification Process June 2021. Collection method: clinical testing. Allele origin: germline.
Comment: Not observed at significant frequency in large population cohorts (gnomAD); In silico analysis suggests that this missense variant does not alter protein structure/function; Has not been previously published as pathogenic or benign to our knowledge